The following is an entry in ClinVar:

NM_001291303.3(FAT4):c.7103C>A (p.Ala2368Glu)

Gene: FAT4 (FAT atypical cadherin 4; plus strand). Cytogenetic location: 4q28.1.
Variant type: single nucleotide variant.
Coding change: c.7103C>A on transcript NM_001291303.3 (MANE Select); coding-DNA position 7103, C replaced by A.
Protein change: p.Ala2368Glu; replaces alanine 2368 with glutamic acid.
Molecular consequence: missense variant.
Genome position (GRCh38, 1-based): chr4:125,434,329, C>A. VCF-style: chr4-125434329-C-A. GRCh37 (hg19) VCF-style: chr4-126355484-C-A.
Other names: c.7103C>A, p.Ala2368Glu (NM_001291285.3, NM_024582.6); c.7103C>A (NM_001291303.1); short protein forms A2368E.
Identifiers: ClinVar variation 424428 (VCV000424428.19), dbSNP rs116568645, ClinGen allele CA3073094.
Genomic context (GRCh38, chr4:125,434,329, plus strand): 5'-GAACAATCAACGTCATAGTAGATGATGTCAATGACAATGTCCCCACATTTGCCAGTAAAG[C>A]GTATTTCACAACAATTCCTGAGGATGCACCAACTGGAACAGATGTTTTATTGGTAAATGC-3'
Protein context (NP_001278232.1, residues 2358-2378): NDNVPTFASK[Ala2368Glu]YFTTIPEDAP

ClinVar aggregate classification (germline): Conflicting classifications of pathogenicity. Review status: criteria provided, conflicting classifications (1 of 4 stars). 5 submissions from 5 submitters: Uncertain significance (3); Likely benign (1). 1 of the submissions does not count toward it. Last evaluated 2026-01-18.

Conditions:
Hennekam lymphangiectasia-lymphedema syndrome 2 (HKLLS2). Identifiers: Orphanet 2136, MedGen C4014939, MONDO:0014454, OMIM 616006.
FAT4-related disorder. Also called: FAT4-related condition.

Allele frequency attached by ClinVar (database versions not stated): gnomAD 0.00066 and 0.00074; TOPMed 0.00080; ExAC 0.00081; gnomAD exomes 0.00081; ESP Exome Variant Server 0.00092; 1000 Genomes Project 30x 0.00094; 1000 Genomes Project 0.00120.
gnomAD v4.1: 1,578 of 1,613,936 alleles (0.098%); highest among the groups gnomAD compares: South Asian, 0.15%; 6 homozygotes.

Submissions (5):

Labcorp Genetics (formerly Invitae), Labcorp
Classification: Likely benign. Last evaluated: 2026-01-18. Review status: criteria provided, single submitter. Criteria: Invitae Variant Classification Sherloc (09022015). Collection method: clinical testing. Allele origin: germline.

GeneDx
Classification: Uncertain significance. Last evaluated: 2025-04-27. Review status: criteria provided, single submitter. Criteria: GeneDx Variant Classification Process June 2021. Collection method: clinical testing. Allele origin: germline. Affected: yes.
Comment: Reported along with a second variant in the FAT4 gene in a patient with Fanconi anemia in the published literature; however, segregation information and additional clinical information were not provided (PMID: 23623386); In silico analysis indicates that this missense variant does not alter protein structure/function; This variant is associated with the following publications: (PMID: 23623386)

Blueprint Genetics
Classification: Uncertain significance. Last evaluated: 2024-11-25. Review status: criteria provided, single submitter. Criteria: ACMG Guidelines, 2015. Collection method: clinical testing. Allele origin: germline.

Baylor Genetics
Classification: Uncertain significance for Hennekam lymphangiectasia-lymphedema syndrome 2. Last evaluated: 2018-04-18. Review status: criteria provided, single submitter. Criteria: ACMG Guidelines, 2015. Collection method: clinical testing. Allele origin: paternal. Affected: yes.
Comment: This variant was determined to be of uncertain significance according to ACMG Guidelines, 2015 [PMID:25741868].

PreventionGenetics, part of Exact Sciences
Classification: Likely benign for FAT4-related condition. Last evaluated: 2022-11-29. Review status: no assertion criteria provided. Collection method: clinical testing. Allele origin: germline. Not counted in ClinVar's aggregate classification.
Comment: This variant is classified as likely benign based on ACMG/AMP sequence variant interpretation guidelines (Richards et al. 2015 PMID: 25741868, with internal and published modifications).